The following is an entry in ClinVar:

NM_005144.5(HR):c.1015G>T (p.Gly339Cys)

Gene: HR (HR lysine demethylase and nuclear receptor corepressor; minus strand). Cytogenetic location: 8p21.3.
Variant type: single nucleotide variant.
Coding change: c.1015G>T on transcript NM_005144.5 (MANE Select); coding-DNA position 1015, G replaced by T.
Protein change: p.Gly339Cys; replaces glycine 339 with cysteine.
Molecular consequence: missense variant.
Genome position (GRCh38, 1-based): chr8:22,127,427, C>A on the plus strand (G>T on the coding strand, the complement: HR is on the minus strand). VCF-style: chr8-22127427-C-A. GRCh37 (hg19) VCF-style: chr8-21984940-C-A.
Other names: c.1015G>T, p.Gly339Cys (NM_018411.4); short protein forms G339C.
Identifiers: ClinVar variation 2456785 (VCV002456785.6), dbSNP rs112994473, ClinGen allele CA4662582.

ClinVar aggregate classification (germline): Uncertain significance. Review status: criteria provided, multiple submitters, no conflicts (2 of 4 stars). 2 submissions from 2 submitters: Uncertain significance (2). Last evaluated 2025-04-13.

Conditions:
Inborn genetic diseases. Identifiers: MedGen C0950123, MeSH D030342.

Allele frequency attached by ClinVar (database versions not stated): ESP Exome Variant Server 0.00015.
gnomAD v4.1: 34 of 1,612,794 alleles (0.0021%); highest among the groups gnomAD compares: African/African-American, 0.035%; no homozygotes.

Submissions (2):

Ambry Genetics
Classification: Uncertain significance for Inborn genetic diseases. Last evaluated: 2025-04-13. Review status: criteria provided, single submitter. Criteria: Ambry Variant Classification Scheme 2023. Collection method: clinical testing. Allele origin: germline.

Labcorp Genetics (formerly Invitae), Labcorp
Classification: Uncertain significance. Last evaluated: 2023-12-07. Review status: criteria provided, single submitter. Criteria: Invitae Variant Classification Sherloc (09022015). Collection method: clinical testing. Allele origin: germline.
Comment: This sequence change replaces glycine, which is neutral and non-polar, with cysteine, which is neutral and slightly polar, at codon 339 of the HR protein (p.Gly339Cys). This variant is present in population databases (rs112994473, gnomAD 0.05%). This variant has not been reported in the literature in individuals affected with HR-related conditions. ClinVar contains an entry for this variant (Variation ID: 2456785). An algorithm developed to predict the effect of missense changes on protein structure and function (PolyPhen-2) suggests that this variant is likely to be disruptive. In summary, the available evidence is currently insufficient to determine the role of this variant in disease. Therefore, it has been classified as a Variant of Uncertain Significance.